The following is an entry in ClinVar:

ClinVar aggregate classification (germline): Pathogenic (1 of 4 stars; one submission).

Conditions:
Retinoblastoma (RB1). Also called: RETINOBLASTOMA, SOMATIC. Identifiers: Orphanet 790, MedGen C0035335, MeSH D012175, MONDO:0008380, OMIM 180200, HP:0009919. Disease mechanism: loss of function. Inheritance: Both sporadic and heritable forms are tested..

Submission:

Genetic Diagnostic Laboratory, University of Pennsylvania School of Medicine
Classification: Pathogenic for Retinoblastoma. Last evaluated: 2024-05-20. Review status: criteria provided, single submitter. Criteria: ACMG Guidelines, 2015. Collection method: clinical testing. Allele origin: germline. Affected: yes. Observed: 1 variant allele.
Comment: Case and Pedigree Information: BILATERAL CASES:1, UNILATERAL CASES:0, TOTAL CASES:1, PEDIGREES:1. ACMG Codes Applied:PVS1, PM2

NM_000321.3(RB1):c.2282dup (p.Met761fs)

Gene: RB1 (RB transcriptional corepressor 1; plus strand). Cytogenetic location: 13q14.2.
Variant type: Duplication.
Coding change: c.2282dup on transcript NM_000321.3 (MANE Select); coding-DNA position 2282, one base duplicated (T; older notation c.2282dupT).
Protein change: p.Met761fs; shifts the reading frame from methionine 761.
Molecular consequence: frameshift variant.
Genome position (GRCh38, 1-based): chr13:48,465,068, T duplicated. VCF-style (leftmost placement, unchanged base first): chr13-48465067-A-AT. GRCh37 (hg19) VCF-style: chr13-49039203-A-AT.
Other names: c.2282dup, p.Met761fs (NM_001407165.1); short protein forms M761fs.
Identifiers: ClinVar variation 3237084 (VCV003237084.1), dbSNP rs2542375324.